The following is an entry in ClinVar:

ClinVar aggregate classification (germline): Uncertain significance (1 of 4 stars; one submission).

Allele frequency attached by ClinVar (database versions not stated): TOPMed below 0.00001; gnomAD 0.00001; 1000 Genomes Project 30x 0.00016; 1000 Genomes Project 0.00020.
gnomAD v4.1: 2 of 1,614,160 alleles (0.00012%); highest among the groups gnomAD compares: African/African-American, 0.0027%; no homozygotes.

Submission:

Labcorp Genetics (formerly Invitae), Labcorp
Classification: Uncertain significance. Last evaluated: 2024-09-23. Review status: criteria provided, single submitter. Criteria: Invitae Variant Classification Sherloc (09022015). Collection method: clinical testing. Allele origin: germline.
Comment: This sequence change replaces leucine, which is neutral and non-polar, with proline, which is neutral and non-polar, at codon 147 of the CARD8 protein (p.Leu147Pro). This variant is not present in population databases (gnomAD no frequency). This variant has not been reported in the literature in individuals affected with CARD8-related conditions. An algorithm developed to predict the effect of missense changes on protein structure and function (PolyPhen-2) suggests that this variant is likely to be tolerated. In summary, the available evidence is currently insufficient to determine the role of this variant in disease. Therefore, it has been classified as a Variant of Uncertain Significance.

NM_001184900.3(CARD8):c.590T>C (p.Leu197Pro)

Gene: CARD8 (caspase recruitment domain family member 8; minus strand). Cytogenetic location: 19q13.33.
Variant type: single nucleotide variant.
Coding change: c.590T>C on transcript NM_001184900.3 (MANE Select); coding-DNA position 590, T replaced by C.
Protein change: p.Leu197Pro; replaces leucine 197 with proline.
Molecular consequence: missense variant. On other transcripts: non-coding transcript variant (4).
Genome position (GRCh38, 1-based): chr19:48,230,959, A>G on the plus strand (T>C on the coding strand, the complement: CARD8 is on the minus strand). VCF-style: chr19-48230959-A-G. GRCh37 (hg19) VCF-style: chr19-48734216-A-G.
Other names: c.440T>C, p.Leu147Pro (NM_001184901.1, NM_001351783.2, NM_001351788.2 and 2 more transcripts); c.590T>C, p.Leu197Pro (NM_001184902.2, NM_001184903.1, NM_001351782.2); c.275T>C, p.Leu92Pro (NM_001351784.2, NM_001351787.2, NM_001351791.2 and 2 more transcripts); c.254T>C, p.Leu85Pro (NM_001351786.2); c.347T>C, p.Leu116Pro (NM_001351790.2); c.-233T>C (NM_001426741.1); short protein forms L85P, L116P, L197P, L147P, L92P.
Identifiers: ClinVar variation 2780554 (VCV002780554.3), dbSNP rs535028752, ClinGen allele CA309289777.